The following is an entry in ClinVar:

NM_000548.5(TSC2):c.4325A>G (p.Glu1442Gly)

Gene: TSC2 (TSC complex subunit 2; plus strand). Cytogenetic location: 16p13.3.
Variant type: single nucleotide variant.
Coding change: c.4325A>G on transcript NM_000548.5 (MANE Select); coding-DNA position 4325, A replaced by G.
Protein change: p.Glu1442Gly; replaces glutamic acid 1442 with glycine.
Molecular consequence: missense variant. On other transcripts: non-coding transcript variant (5).
Genome position (GRCh38, 1-based): chr16:2,084,547, A>G. VCF-style: chr16-2084547-A-G. GRCh37 (hg19) VCF-style: chr16-2134548-A-G.
Other names: c.2783A>G, p.Glu928Gly (NM_001406692.1, NM_001406693.1, NM_001406694.1); c.2780A>G, p.Glu927Gly (NM_001406695.1, NM_001406696.1, NM_001406697.1); c.2522A>G, p.Glu841Gly (NM_001406698.1); c.4196A>G, p.Glu1399Gly (NM_021055.3, NM_001370405.1); c.4124A>G, p.Glu1375Gly (NM_001077183.3); c.4256A>G, p.Glu1419Gly (NM_001114382.3); c.4016A>G, p.Glu1339Gly (NM_001318827.2); c.3980A>G, p.Glu1327Gly (NM_001318829.2); and 26 more; short protein forms E1175G, E1198G, E1338G, E1372G, E1382G, E1418G, E1419G, E1441G.
Identifiers: ClinVar variation 3637238 (VCV003637238.2).

ClinVar aggregate classification (germline): Uncertain significance (1 of 4 stars; one submission).

Conditions:
Tuberous sclerosis 2 (TSC2). Identifiers: Orphanet 805, MedGen C1860707, MONDO:0013199, OMIM 613254.

Submission:

Labcorp Genetics (formerly Invitae), Labcorp
Classification: Uncertain significance for Tuberous sclerosis 2. Last evaluated: 2024-11-21. Review status: criteria provided, single submitter. Criteria: Invitae Variant Classification Sherloc (09022015). Collection method: clinical testing. Allele origin: germline.
Comment: This sequence change replaces glutamic acid, which is acidic and polar, with glycine, which is neutral and non-polar, at codon 1442 of the TSC2 protein (p.Glu1442Gly). This variant is not present in population databases (gnomAD no frequency). This variant has not been reported in the literature in individuals affected with TSC2-related conditions. Invitae Evidence Modeling of protein sequence and biophysical properties (such as structural, functional, and spatial information, amino acid conservation, physicochemical variation, residue mobility, and thermodynamic stability) indicates that this missense variant is not expected to disrupt TSC2 protein function with a negative predictive value of 95%. In summary, the available evidence is currently insufficient to determine the role of this variant in disease. Therefore, it has been classified as a Variant of Uncertain Significance.